The following is an entry in ClinVar:

NM_032436.4(CHAMP1):c.1664G>A (p.Arg555Gln)

Gene: CHAMP1 (chromosome alignment maintaining phosphoprotein 1; plus strand). Cytogenetic location: 13q34.
Variant type: single nucleotide variant.
Coding change: c.1664G>A on transcript NM_032436.4 (MANE Select); coding-DNA position 1664, G replaced by A.
Protein change: p.Arg555Gln; replaces arginine 555 with glutamine.
Molecular consequence: missense variant.
Genome position (GRCh38, 1-based): chr13:114,325,506, G>A. VCF-style: chr13-114325506-G-A. GRCh37 (hg19) VCF-style: chr13-115090981-G-A.
Other names: NC_000013.10:g.115090981G>A; c.1664G>A (NM_001164145.2); c.1664G>A, p.Arg555Gln (NM_001164144.3, NM_001164145.3); short protein forms R555Q.
Identifiers: ClinVar variation 710366 (VCV000710366.31), dbSNP rs142125006, ClinGen allele CA7070857.

ClinVar aggregate classification (germline): Likely benign. Review status: criteria provided, multiple submitters, no conflicts (2 of 4 stars). 4 submissions from 4 submitters: Likely benign (3). 1 of the submissions does not count toward it. Last evaluated 2024-03-01.

Conditions:
CHAMP1-related disorder. Also called: CHAMP1-related condition.

Allele frequency attached by ClinVar (database versions not stated): gnomAD 0.00062 and 0.00064; ESP Exome Variant Server 0.00069; gnomAD exomes 0.00073; TOPMed 0.00074; ExAC 0.00077.
gnomAD v4.1: 1,591 of 1,613,872 alleles (0.099%); highest among the groups gnomAD compares: Non-Finnish European, 0.13%; 3 homozygotes.

Submissions (7):

CeGaT Center for Human Genetics Tuebingen
Classification: Likely benign. Last evaluated: 2024-03-01. Review status: criteria provided, single submitter. Criteria: CeGaT Center For Human Genetics Tuebingen Variant Classification Criteria Version 2. Collection method: clinical testing. Allele origin: germline. Affected: yes. Observed: 4 variant alleles.
Comment: CHAMP1: BS1

Labcorp Genetics (formerly Invitae), Labcorp
Classification: Likely benign. Last evaluated: 2019-12-31. Review status: criteria provided, single submitter. Criteria: Invitae Variant Classification Sherloc (09022015). Collection method: clinical testing. Allele origin: germline.

Breakthrough Genomics
Classification: Likely benign. Review status: criteria provided, single submitter. Criteria: ACMG Guidelines, 2015. Collection method: not provided. Allele origin: germline. Inheritance: Autosomal dominant inheritance. Affected: yes.

PreventionGenetics, part of Exact Sciences
Classification: Likely benign for CHAMP1-related condition. Last evaluated: 2021-07-13. Review status: no assertion criteria provided. Collection method: clinical testing. Allele origin: germline. Not counted in ClinVar's aggregate classification.
Comment: This variant is classified as likely benign based on ACMG/AMP sequence variant interpretation guidelines (Richards et al. 2015 PMID: 25741868, with internal and published modifications).

Dr. Peter K. Rogan Lab, Western University
No classification provided (evidence only). Condition: Familial cancer of breast. Review status: no classification provided. Collection method: in vitro. Allele origin: not applicable. Functional consequence: retained intron. Not counted in ClinVar's aggregate classification.

Dr. Peter K. Rogan Lab, Western University
No classification provided (evidence only). Condition: Acute myeloid leukemia. Review status: no classification provided. Collection method: in vitro. Allele origin: not applicable. Functional consequence: retained intron. Not counted in ClinVar's aggregate classification.

Dr. Peter K. Rogan Lab, Western University
No classification provided (evidence only). Condition: Gastric cancer. Review status: no classification provided. Collection method: in vitro. Allele origin: not applicable. Functional consequence: retained intron. Not counted in ClinVar's aggregate classification.